The following is an entry in ClinVar:

ClinVar aggregate classification (germline): Benign. Review status: criteria provided, multiple submitters, no conflicts (2 of 4 stars). 2 submissions from 2 submitters: Benign (2). Last evaluated 2021-06-09.

Allele frequency attached by ClinVar (database versions not stated): TOPMed 0.32681; gnomAD 0.33273 and 0.33915; 1000 Genomes Project 30x 0.33479; 1000 Genomes Project 0.34125; ESP Exome Variant Server 0.34507; ExAC 0.38443; gnomAD exomes 0.41172.
gnomAD v4.1: 653,156 of 1,612,400 alleles (41%); highest among the groups gnomAD compares: South Asian, 45%; 136,170 homozygotes.

Submissions (2):

GeneDx
Classification: Benign. Last evaluated: 2021-06-09. Review status: criteria provided, single submitter. Criteria: GeneDx Variant Classification Process June 2021. Collection method: clinical testing. Allele origin: germline. Affected: yes.
Comment: This variant is associated with the following publications: (PMID: 20626912)

Breakthrough Genomics
Classification: Benign. Review status: criteria provided, single submitter. Criteria: ACMG Guidelines, 2015. Collection method: not provided. Allele origin: germline. Inheritance: Unknown mechanism. Affected: yes.

NM_000697.3(ALOX12):c.965A>G (p.Asn322Ser)

Genes: ALOX12 (arachidonate 12-lipoxygenase, 12S type; plus strand), ALOX12-AS1 (ALOX12 antisense RNA 1; minus strand). Cytogenetic location: 17p13.1.
Variant type: single nucleotide variant.
Coding change: c.965A>G on transcript NM_000697.3 (MANE Select); coding-DNA position 965, A replaced by G.
Protein change: p.Asn322Ser; replaces asparagine 322 with serine.
Molecular consequence: missense variant.
Genome position (GRCh38, 1-based): chr17:7,001,615, A>G. VCF-style: chr17-7001615-A-G. GRCh37 (hg19) VCF-style: chr17-6904934-A-G.
Other names: short protein forms N322S.
Identifiers: ClinVar variation 1233269 (VCV001233269.4), dbSNP rs434473, ClinGen allele CA8333381.